The following is an entry in ClinVar:

ClinVar aggregate classification (germline): Uncertain significance (1 of 4 stars; one submission).

Conditions:
Kabuki syndrome. Also called: NIIKAWA-KUROKI SYNDROME; Kabuki make-up syndrome. Identifiers: Orphanet 2322, MedGen C0796004, MONDO:0016512.

Submission:

Labcorp Genetics (formerly Invitae), Labcorp
Classification: Uncertain significance for Kabuki syndrome. Last evaluated: 2025-07-21. Review status: criteria provided, single submitter. Criteria: Invitae Variant Classification Sherloc (09022015). Collection method: clinical testing. Allele origin: germline.
Comment: This sequence change replaces glycine, which is neutral and non-polar, with serine, which is neutral and polar, at codon 3844 of the KMT2D protein (p.Gly3844Ser). This variant is not present in population databases (gnomAD no frequency). This variant has not been reported in the literature in individuals affected with KMT2D-related conditions. ClinVar contains an entry for this variant (Variation ID: 3015289). Invitae Evidence Modeling of protein sequence and biophysical properties (such as structural, functional, and spatial information, amino acid conservation, physicochemical variation, residue mobility, and thermodynamic stability) indicates that this missense variant is not expected to disrupt KMT2D protein function with a negative predictive value of 95%. In summary, the available evidence is currently insufficient to determine the role of this variant in disease. Therefore, it has been classified as a Variant of Uncertain Significance.

NM_003482.4(KMT2D):c.11530G>A (p.Gly3844Ser)

Gene: KMT2D (lysine methyltransferase 2D; minus strand). Cytogenetic location: 12q13.12.
Variant type: single nucleotide variant.
Coding change: c.11530G>A on transcript NM_003482.4 (MANE Select); coding-DNA position 11530, G replaced by A.
Protein change: p.Gly3844Ser; replaces glycine 3844 with serine.
Molecular consequence: missense variant.
Genome position (GRCh38, 1-based): chr12:49,033,175, C>T on the plus strand (G>A on the coding strand, the complement: KMT2D is on the minus strand). VCF-style: chr12-49033175-C-T. GRCh37 (hg19) VCF-style: chr12-49426958-C-T.
Other names: short protein forms G3844S.
Identifiers: ClinVar variation 3015289 (VCV003015289.3), dbSNP rs1943040354, ClinGen allele CA384717861.